The following is an entry in ClinVar:

ClinVar aggregate classification (germline): Likely benign. Review status: criteria provided, multiple submitters, no conflicts (2 of 4 stars). 2 submissions from 2 submitters: Likely benign (2). Last evaluated 2025-03-25.

Submissions (2):

Mayo Clinic Laboratories, Mayo Clinic
Classification: Likely benign. Last evaluated: 2025-03-25. Review status: criteria provided, single submitter. Criteria: ACMG Guidelines, 2015. Collection method: clinical testing. Allele origin: germline. Observed: 1 variant allele.
Comment: BP4, BP7, PM2_supporting

Blueprint Genetics
Classification: Likely benign. Last evaluated: 2021-12-16. Review status: criteria provided, single submitter. Criteria: ACMG Guidelines, 2015. Collection method: clinical testing. Allele origin: germline.

NM_002184.4(IL6ST):c.1841-13_1841-4del

Gene: IL6ST (interleukin 6 cytokine family signal transducer; minus strand). Cytogenetic location: 5q11.2.
Variant type: Deletion.
Coding change: c.1841-13_1841-4del on transcript NM_002184.4 (MANE Select); 13 bases into the intron before coding-DNA position 1841 through 4 bases into the intron before coding-DNA position 1841, 10 bases deleted (TTTTTTTTTT; older notation c.1841-13_1841-4delTTTTTTTTTT).
Molecular consequence: intron variant.
Genome position (GRCh38, 1-based): chr5:55,947,593-55,947,602, AAAAAAAAAA deleted on the plus strand (TTTTTTTTTT on the coding strand, the reverse complement: IL6ST is on the minus strand); deleting any 10 consecutive bases within chr5:55,947,593-55,947,617 gives the same sequence; the c. name uses the placement nearest the transcript's 3' end. VCF-style (leftmost placement, unchanged base first): chr5-55947592-TAAAAAAAAAA-T. GRCh37 (hg19) VCF-style: chr5-55243420-TAAAAAAAAAA-T.
Other names: p.?; c.1631-13_1631-4del (NM_001364276.2); c.845-13_845-4del (NM_001364279.2); c.938-13_938-4del (NM_001364278.2); c.974-13_974-4del (NM_001364277.2); c.*768-13_*768-4del (NM_175767.3); c.1658-13_1658-4del (NM_001190981.2); c.1739-13_1739-4del (NM_001364275.2).
Identifiers: ClinVar variation 4684838 (VCV004684838.2).
Genomic context (GRCh38, chr5:55,947,592, plus strand): 5'-GTTGTCAATAGGAATGCTAAGCAAACAGGCACGACTATGGCTTCAATTTCTCCTTGAGCT[TAAAAAAAAAA>T]AAAAAAAAAAAAAAAGAGGTGTGATGGGAAATAATGTTGACATATGAACTAAGAAGACAT-3'